The following is an entry in ClinVar:

NM_000329.3(RPE65):c.615_616del (p.Ile206fs)

Gene: RPE65 (retinoid isomerohydrolase RPE65; minus strand). Cytogenetic location: 1p31.3.
Variant type: Deletion.
Coding change: c.615_616del on transcript NM_000329.3 (MANE Select); coding-DNA positions 615 to 616, 2 bases deleted (CA; older notation c.615_616delCA).
Protein change: p.Ile206fs; shifts the reading frame from isoleucine 206.
Molecular consequence: frameshift variant.
Genome position (GRCh38, 1-based): chr1:68,440,880-68,440,881, TG deleted on the plus strand (CA on the coding strand, the reverse complement: RPE65 is on the minus strand); deleting any 2 consecutive bases within chr1:68,440,880-68,440,882 gives the same sequence; the c. name uses the placement nearest the transcript's 3' end. VCF-style (leftmost placement, unchanged base first): chr1-68440879-ATG-A. GRCh37 (hg19) VCF-style: chr1-68906562-ATG-A.
Other names: NM_000329.3(RPE65):c.615_616del; p.Ile206fs; c.615_616del (NM_000329.2); short protein forms I206fs.
Identifiers: ClinVar variation 98880 (VCV000098880.12), dbSNP rs61752888, ClinGen allele CA226567.

ClinVar aggregate classification (germline): Pathogenic. Review status: reviewed by expert panel (3 of 4 stars). 5 submissions from 5 submitters: Pathogenic (1). 4 of the submissions do not count toward it. Last evaluated 2023-12-22.

Conditions:
RPE65-related recessive retinopathy. Also called: Recessive RPE65 retinopathy. Identifiers: MedGen CN305526, MONDO:0100368.
Retinitis pigmentosa 20 (RP20). Identifiers: Orphanet 791, MedGen C3151086, MONDO:0013425, OMIM 613794.
Leber congenital amaurosis 2 (LCA2). Also called: Autosomal Recessive RPE65-Related Retinal Degeneration; AMAUROSIS CONGENITA OF LEBER II. Identifiers: Orphanet 65, MedGen C1859844, MONDO:0008765, OMIM 204100. Disease mechanism: loss of function.

Submissions (5):

ClinGen Leber Congenital Amaurosis/early Onset Retinal Dystrophy Variant Curation Expert Panel, ClinGen
Classification: Pathogenic for RPE65-related recessive retinopathy. Last evaluated: 2023-12-22. Review status: reviewed by expert panel. Criteria: ClinGen LCAeoRD ACMG Specifications RPE65 V1.0.0. Collection method: curation. Allele origin: germline. Inheritance: Autosomal recessive inheritance.
Comment: The RPE65 c.615_616del (p.Ile206fs) variant, previously known as 669delCA, is a frameshift variant that introduces a premature stop codon into exon 6 of 14, and is predicted to lead to nonsense-mediated decay in a gene in which loss-of-function is an established mechanism of disease (PVS1). At least 1 patient with this variant exhibited nonrecordable ERG responses from rods (0.5 pts) and cones (1 pt), congenital night blindness (0.5 pts), onset between birth and five years (1 pt), decreased peripheral vision (1 pt), decreased central visual acuity (1 pt), and nystagmus (1 pt), which together are specific for RPE65-related recessive retinopathy (6 pts total, PMID: 11095629, PP4). This variant is absent from gnomAD v2.1.1 (PM2_Supporting). In summary, this variant meets the criteria to be classified as Pathogenic for RPE65-related recessive retinopathy based on the ACMG/AMP criteria applied, as specified by the ClinGen LCA/eoRD VCEP: PVS1, PM2_Supporting, PP4. (VCEP specifications version 1.0.0; date of approval 09/21/2023).

Myriad Genetics, Inc.
Classification: Pathogenic for RPE65-related recessive retinopathy. Last evaluated: 2024-05-14. Review status: criteria provided, single submitter. Criteria: Myriad Autosomal Dominant, Autosomal Recessive and X-Linked Classification Criteria (2023). Collection method: clinical testing. Allele origin: unknown. Not counted in ClinVar's aggregate classification.
Comment: NM_000329.2(RPE65):c.615_616delCA(I206Cfs*27) is expected to be pathogenic in the context of inherited retinal dystrophy, RPE65-related. This variant is predicted to lead to an abnormal or absent protein product due to the creation of a premature termination codon in RPE65, a gene where loss-of-function variants are known to be pathogenic. Please note: this variant was assessed in the context of healthy population screening.

Labcorp Genetics (formerly Invitae), Labcorp
Classification: Pathogenic for Leber congenital amaurosis 2; Retinitis pigmentosa 20. Last evaluated: 2020-03-14. Review status: criteria provided, single submitter. Criteria: Invitae Variant Classification Sherloc (09022015). Collection method: clinical testing. Allele origin: germline. Not counted in ClinVar's aggregate classification.
Comment: This sequence change creates a premature translational stop signal (p.Ile206Cysfs*27) in the RPE65 gene. It is expected to result in an absent or disrupted protein product. This variant is not present in population databases (ExAC no frequency). This variant has been observed in individual(s) with retinal dystrophy (PMID: 11095629). This variant is also known as 669delCA in the literature. ClinVar contains an entry for this variant (Variation ID: 98880). Loss-of-function variants in RPE65 are known to be pathogenic (PMID: 9326941, 9501220, 9843205, 18632300). For these reasons, this variant has been classified as Pathogenic.

Laboratory of Genetics in Ophthalmology, Institut Imagine
Classification: Pathogenic for Leber congenital amaurosis 2. Review status: no assertion criteria provided. Collection method: research. Allele origin: inherited. Affected: yes. Observed: 1 variant allele. Not counted in ClinVar's aggregate classification.

Retina International
No classification provided. Review status: no classification provided. Collection method: not provided. Allele origin: not provided. Not counted in ClinVar's aggregate classification.

Literature cited by the submitters: PubMed 11095629 (cited by Labcorp Genetics (formerly Invitae), Labcorp and Laboratory of Genetics in Ophthalmology, Institut Imagine); PubMed 9326941 (cited by Labcorp Genetics (formerly Invitae), Labcorp); PubMed 9501220 (cited by Labcorp Genetics (formerly Invitae), Labcorp); PubMed 9843205 (cited by Labcorp Genetics (formerly Invitae), Labcorp); PubMed 18632300 (cited by Labcorp Genetics (formerly Invitae), Labcorp).